The following is an entry in ClinVar:

ClinVar aggregate classification (germline): Pathogenic (1 of 4 stars; one submission).

Conditions:
Neurometabolic disorder due to serine deficiency. Identifiers: Orphanet 35705, MedGen C5680148, MONDO:0018162.

Submission:

Myriad Genetics, Inc.
Classification: Pathogenic for Neurometabolic disorder due to serine deficiency. Last evaluated: 2023-09-05. Review status: criteria provided, single submitter. Criteria: Myriad Autosomal Dominant, Autosomal Recessive and X-Linked Classification Criteria (2023). Collection method: clinical testing. Allele origin: unknown.
Comment: NM_006623.3(PHGDH):c.297dupC(N100Qfs*76) is expected to be pathogenic in the context of serine deficiency disorder, PHGDH-related. This variant is predicted to lead to an abnormal or absent protein product due to the creation of a premature termination codon in PHGDH, a gene where loss-of-function variants are known to be pathogenic. Please note: this variant was assessed in the context of healthy population screening.

NM_006623.4(PHGDH):c.297dup (p.Asn100fs)

Gene: PHGDH (phosphoglycerate dehydrogenase; plus strand). Cytogenetic location: 1p12.
Variant type: Duplication.
Coding change: c.297dup on transcript NM_006623.4 (MANE Select); coding-DNA position 297, one base duplicated (C; older notation c.297dupC).
Protein change: p.Asn100fs; shifts the reading frame from asparagine 100.
Molecular consequence: frameshift variant.
Genome position (GRCh38, 1-based): chr1:119,723,382, C duplicated; the last of 5 consecutive C bases (chr1:119,723,378-119,723,382); duplicating any one gives the same sequence. VCF-style (leftmost placement, unchanged base first): chr1-119723377-A-AC. GRCh37 (hg19) VCF-style: chr1-120266000-A-AC.
Other names: short protein forms N100fs.
Identifiers: ClinVar variation 5011575 (VCV005011575.1).
Genomic context (GRCh38, chr1:119,723,377, plus strand): 5'-GAAGGAGTGGGAATACTGGGTCTGTGCCCATTGATGTCCCCCTTTTCTTTGATCTTTAGC[A>AC]CCCCCAATGGGAACAGCCTCAGTGCCGCAGAACTCACTTGTGGAATGATCATGTGCCTGG-3'